The following is an entry in ClinVar:

ClinVar aggregate classification (germline): Uncertain significance. Review status: criteria provided, multiple submitters, no conflicts (2 of 4 stars). 2 submissions from 2 submitters: Uncertain significance (2). Last evaluated 2022-05-21.

Conditions:
Inborn genetic diseases. Identifiers: MedGen C0950123, MeSH D030342.
Developmental and epileptic encephalopathy, 42 (DEE42A). Also called: Epileptic encephalopathy, early infantile, 42; DEVELOPMENTAL AND EPILEPTIC ENCEPHALOPATHY 42A; EPILEPTIC ENCEPHALOPATHY, EARLY INFANTILE, 42A. Identifiers: MedGen C4310716, MONDO:0014917, OMIM 617106.
Episodic ataxia type 2 (EA2). Also called: EPISODIC ATAXIA, NYSTAGMUS-ASSOCIATED; ACETAZOLAMIDE-RESPONSIVE HEREDITARY PAROXYSMAL CEREBELLAR ATAXIA; ATAXIA, EPISODIC, WITH NYSTAGMUS; ATAXIA, FAMILIAL PAROXYSMAL; CEREBELLAR ATAXIA, PAROXYSMAL, ACETAZOLAMIDE-RESPONSIVE; CEREBELLOPATHY, HEREDITARY PAROXYSMAL. Identifiers: Orphanet 97, MedGen C1720416, MONDO:0007163, OMIM 108500.

Submissions (2):

Labcorp Genetics (formerly Invitae), Labcorp
Classification: Uncertain significance for Developmental and epileptic encephalopathy, 42; Episodic ataxia type 2. Last evaluated: 2022-05-21. Review status: criteria provided, single submitter. Criteria: Invitae Variant Classification Sherloc (09022015). Collection method: clinical testing. Allele origin: germline.
Comment: In summary, the available evidence is currently insufficient to determine the role of this variant in disease. Therefore, it has been classified as a Variant of Uncertain Significance. Advanced modeling of protein sequence and biophysical properties (such as structural, functional, and spatial information, amino acid conservation, physicochemical variation, residue mobility, and thermodynamic stability) performed at Invitae indicates that this missense variant is not expected to disrupt CACNA1A protein function. This variant has not been reported in the literature in individuals affected with CACNA1A-related conditions. This variant is not present in population databases (gnomAD no frequency). This sequence change replaces glutamic acid, which is acidic and polar, with aspartic acid, which is acidic and polar, at codon 830 of the CACNA1A protein (p.Glu830Asp).

Ambry Genetics
Classification: Uncertain significance for Inborn genetic diseases. Last evaluated: 2019-12-03. Review status: criteria provided, single submitter. Criteria: Ambry Variant Classification Scheme 2023. Collection method: clinical testing. Allele origin: germline.
Comment: The p.E830D variant (also known as c.2490G>C), located in coding exon 19 of the CACNA1A gene, results from a G to C substitution at nucleotide position 2490. The glutamic acid at codon 830 is replaced by aspartic acid, an amino acid with highly similar properties. This amino acid position is not well conserved in available vertebrate species, and aspartic acid is the reference amino acid in other vertebrate species. In addition, this alteration is predicted to be tolerated by in silico analysis. Since supporting evidence is limited at this time, the clinical significance of this alteration remains unclear.

NM_001127222.2(CACNA1A):c.2487G>C (p.Glu829Asp)

Gene: CACNA1A (calcium voltage-gated channel subunit alpha1 A; minus strand). Cytogenetic location: 19p13.13.
Variant type: single nucleotide variant.
Coding change: c.2487G>C on transcript NM_001127222.2 (MANE Select); coding-DNA position 2487, G replaced by C.
Protein change: p.Glu829Asp; replaces glutamic acid 829 with aspartic acid.
Molecular consequence: missense variant.
Genome position (GRCh38, 1-based): chr19:13,299,146, C>G on the plus strand (G>C on the coding strand, the complement: CACNA1A is on the minus strand). VCF-style: chr19-13299146-C-G. GRCh37 (hg19) VCF-style: chr19-13409960-C-G.
Other names: c.2499G>C, p.Glu833Asp (NM_000068.4, NM_023035.3); c.2490G>C, p.Glu830Asp (NM_001127221.2, NM_001174080.2); short protein forms E829D, E830D, E833D.
Identifiers: ClinVar variation 1397426 (VCV001397426.8), dbSNP rs755434242, ClinGen allele CA404343348.